The following is an entry in ClinVar:

NM_002693.3(POLG):c.3688T>G (p.Ser1230Ala)

Genes: FANCI (FA complementation group I; plus strand), POLG (DNA polymerase gamma, catalytic subunit; minus strand). Cytogenetic location: 15q26.1.
Variant type: single nucleotide variant.
Coding change: c.3688T>G on transcript NM_002693.3 (MANE Select); coding-DNA position 3688, T replaced by G.
Protein change: p.Ser1230Ala; replaces serine 1230 with alanine.
Molecular consequence: missense variant. On other transcripts: 3 prime UTR variant (4).
Genome position (GRCh38, 1-based): chr15:89,316,783, A>C on the plus strand (T>G on the coding strand, the complement: POLG is on the minus strand). VCF-style: chr15-89316783-A-C. GRCh37 (hg19) VCF-style: chr15-89860014-A-C.
Other names: c.*324A>C (NM_001113378.2, NM_001376910.1, NM_001376911.1 and 1 more transcripts); c.3688T>G, p.Ser1230Ala (NM_001126131.2); short protein forms S1230A.
Identifiers: ClinVar variation 961517 (VCV000961517.5), dbSNP rs749355151, ClinGen allele CA7724037.

ClinVar aggregate classification (germline): Uncertain significance (1 of 4 stars; one submission).

Conditions:
Progressive sclerosing poliodystrophy (MTDPS4A). Also called: ALPERS PROGRESSIVE INFANTILE POLIODYSTROPHY; Mitochondrial DNA depletion syndrome 4A (Alpers type); ALPERS DIFFUSE DEGENERATION OF CEREBRAL GRAY MATTER WITH HEPATIC CIRRHOSIS; Alpers-Huttenlocher Syndrome; Alpers-Huttenlocher Syndrome (AHS); Alpers Syndrome. Identifiers: Orphanet 726, MedGen C0205710, MONDO:0008758, OMIM 203700.

Allele frequency attached by ClinVar (database versions not stated): gnomAD exomes below 0.00001; ExAC 0.00001; TOPMed 0.00003; gnomAD 0.00004.
gnomAD v4.1: 22 of 1,613,874 alleles (0.0014%); highest among the groups gnomAD compares: African/African-American, 0.0093%; no homozygotes.

Submission:

Labcorp Genetics (formerly Invitae), Labcorp
Classification: Uncertain significance for Progressive sclerosing poliodystrophy. Last evaluated: 2026-01-27. Review status: criteria provided, single submitter. Criteria: Invitae Variant Classification Sherloc (09022015). Collection method: clinical testing. Allele origin: germline.
Comment: This sequence change replaces serine, which is neutral and polar, with alanine, which is neutral and non-polar, at codon 1230 of the POLG protein (p.Ser1230Ala). This variant is present in population databases (rs749355151, gnomAD 0.01%). This variant has not been reported in the literature in individuals affected with POLG-related conditions. ClinVar contains an entry for this variant (Variation ID: 961517). Invitae Evidence Modeling of protein sequence and biophysical properties (such as structural, functional, and spatial information, amino acid conservation, physicochemical variation, residue mobility, and thermodynamic stability) has been performed for this missense variant. However, the output from this modeling did not meet the statistical confidence thresholds required to predict the impact of this variant on POLG protein function. In summary, the available evidence is currently insufficient to determine the role of this variant in disease. Therefore, it has been classified as a Variant of Uncertain Significance.